The following is an entry in ClinVar:

ClinVar aggregate classification (germline): Uncertain significance (1 of 4 stars; one submission).

Conditions:
Hereditary cancer-predisposing syndrome. Also called: Tumor predisposition; Neoplastic Syndromes, Hereditary; Hereditary Cancer Syndrome; Hereditary neoplastic syndrome. Identifiers: Orphanet 140162, MedGen C0027672, MeSH D009386, MONDO:0015356.

Submission:

Ambry Genetics
Classification: Uncertain significance for Hereditary cancer-predisposing syndrome. Last evaluated: 2025-02-21. Review status: criteria provided, single submitter. Criteria: Ambry Variant Classification Scheme 2023. Collection method: clinical testing. Allele origin: germline.
Comment: The p.H217D variant (also known as c.649C>G), located in coding exon 6 of the MRE11A gene, results from a C to G substitution at nucleotide position 649. The histidine at codon 217 is replaced by aspartic acid, an amino acid with similar properties. This amino acid position is conserved. In addition, this alteration is predicted to be deleterious by in silico analysis. Based on the available evidence, the clinical significance of this variant remains unclear.

NM_005591.4(MRE11):c.649C>G (p.His217Asp)

Gene: MRE11 (MRE11 double strand break repair nuclease; minus strand). Cytogenetic location: 11q21.
Variant type: single nucleotide variant.
Coding change: c.649C>G on transcript NM_005591.4 (MANE Select); coding-DNA position 649, C replaced by G.
Protein change: p.His217Asp; replaces histidine 217 with aspartic acid.
Molecular consequence: missense variant.
Genome position (GRCh38, 1-based): chr11:94,476,299, G>C on the plus strand (C>G on the coding strand, the complement: MRE11 is on the minus strand). VCF-style: chr11-94476299-G-C. GRCh37 (hg19) VCF-style: chr11-94209465-G-C.
Other names: c.649C>G, p.His217Asp (NM_001330347.2, NM_005590.4); short protein forms H217D.
Identifiers: ClinVar variation 3874341 (VCV003874341.1).